The following is an entry in ClinVar:

NM_001033044.4(GLUL):c.*2307C>T

Gene: GLUL (glutamate-ammonia ligase; minus strand). Cytogenetic location: 1q25.3.
Variant type: single nucleotide variant.
Coding change: c.*2307C>T on transcript NM_001033044.4 (MANE Select); 2307 bases downstream of the stop codon, C replaced by T.
Molecular consequence: 3 prime UTR variant.
Genome position (GRCh38, 1-based): chr1:182,382,098, G>A on the plus strand (C>T on the coding strand, the complement: GLUL is on the minus strand). VCF-style: chr1-182382098-G-A. GRCh37 (hg19) VCF-style: chr1-182351233-G-A.
Other names: c.*2307C>T (NM_001033056.4, NM_002065.7).
Identifiers: ClinVar variation 293891 (VCV000293891.6), dbSNP rs2296521, ClinGen allele CA10608332.

ClinVar aggregate classification (germline): Benign. Review status: criteria provided, multiple submitters, no conflicts (2 of 4 stars). 2 submissions from 2 submitters: Benign (2). Last evaluated 2018-01-13.

Conditions:
Congenital brain dysgenesis due to glutamine synthetase deficiency (GLND). Also called: GLUTAMINE SYNTHASE DEFICIENCY, CONGENITAL SYSTEMIC. Identifiers: Orphanet 71278, MedGen C1864910, MONDO:0012393, OMIM 610015.

Allele frequency attached by ClinVar (database versions not stated): gnomAD 0.62516; TOPMed 0.64231; 1000 Genomes Project 0.71346; gnomAD exomes 0.37500; 1000 Genomes Project 30x 0.71674.

Submissions (2):

Illumina Laboratory Services, Illumina
Classification: Benign for Congenital brain dysgenesis due to glutamine synthetase deficiency. Last evaluated: 2018-01-13. Review status: criteria provided, single submitter. Criteria: ICSL Variant Classification Criteria 13 December 2019. Collection method: clinical testing. Allele origin: germline.
Comment: This variant was observed in the ICSL laboratory as part of a predisposition screen in an ostensibly healthy population. It had not been previously curated by ICSL or reported in the Human Gene Mutation Database (HGMD: prior to June 1st, 2018), and was therefore a candidate for classification through an automated scoring system. Utilizing variant allele frequency, disease prevalence and penetrance estimates, and inheritance mode, an automated score was calculated to assess if this variant is too frequent to cause the disease. Based on the score and internal cut-off values, a variant classified as benign is not then subjected to further curation. The score for this variant resulted in a classification of benign for this disease.

Breakthrough Genomics
Classification: Benign. Review status: criteria provided, single submitter. Criteria: ACMG Guidelines, 2015. Collection method: not provided. Allele origin: germline. Inheritance: Autosomal recessive inheritance. Affected: yes.